The following is an entry in ClinVar:

NM_001130823.3(DNMT1):c.662G>T (p.Arg221Leu)

Gene: DNMT1 (DNA methyltransferase 1; minus strand). Cytogenetic location: 19p13.2.
Variant type: single nucleotide variant.
Coding change: c.662G>T on transcript NM_001130823.3 (MANE Select); coding-DNA position 662, G replaced by T.
Protein change: p.Arg221Leu; replaces arginine 221 with leucine.
Molecular consequence: missense variant.
Genome position (GRCh38, 1-based): chr19:10,173,892, C>A on the plus strand (G>T on the coding strand, the complement: DNMT1 is on the minus strand). VCF-style: chr19-10173892-C-A. GRCh37 (hg19) VCF-style: chr19-10284568-C-A.
Other names: c.614G>T, p.Arg205Leu (NM_001318730.2, NM_001379.4); c.299G>T, p.Arg100Leu (NM_001318731.2); short protein forms R100L, R221L, R205L.
Identifiers: ClinVar variation 3652747 (VCV003652747.2).

ClinVar aggregate classification (germline): Uncertain significance (1 of 4 stars; one submission).

Conditions:
Hereditary sensory neuropathy-deafness-dementia syndrome. Also called: NEUROPATHY, HEREDITARY SENSORY, WITH HEARING LOSS AND DEMENTIA; Hereditary Sensory and Autonomic Neuropathy Type 1E (HSAN1E); HSN IE; Hereditary sensory neuropathy type IE. Identifiers: Orphanet 456318, MedGen C3279885, MONDO:0013584, OMIM 614116.

Submission:

Labcorp Genetics (formerly Invitae), Labcorp
Classification: Uncertain significance for Hereditary sensory neuropathy-deafness-dementia syndrome. Last evaluated: 2024-11-27. Review status: criteria provided, single submitter. Criteria: Invitae Variant Classification Sherloc (09022015). Collection method: clinical testing. Allele origin: germline.
Comment: This sequence change replaces arginine, which is basic and polar, with leucine, which is neutral and non-polar, at codon 221 of the DNMT1 protein (p.Arg221Leu). This variant is not present in population databases (gnomAD no frequency). This variant has not been reported in the literature in individuals affected with DNMT1-related conditions. An algorithm developed to predict the effect of missense changes on protein structure and function (PolyPhen-2) suggests that this variant is likely to be disruptive. In summary, the available evidence is currently insufficient to determine the role of this variant in disease. Therefore, it has been classified as a Variant of Uncertain Significance.